The following is an entry in ClinVar:

NM_001174147.2(LMX1B):c.*3833A>G

Gene: LMX1B (LIM homeobox transcription factor 1 beta; plus strand). Cytogenetic location: 9q33.3.
Variant type: single nucleotide variant.
Coding change: c.*3833A>G on transcript NM_001174147.2 (MANE Select); 3833 bases downstream of the stop codon, A replaced by G.
Molecular consequence: 3 prime UTR variant.
Genome position (GRCh38, 1-based): chr9:126,700,284, A>G. VCF-style: chr9-126700284-A-G. GRCh37 (hg19) VCF-style: chr9-129462563-A-G.
Other names: c.*3833A>G (NM_001174146.2, NM_002316.4).
Identifiers: ClinVar variation 364982 (VCV000364982.6), dbSNP rs10987418, ClinGen allele CA10628966.

ClinVar aggregate classification (germline): Benign. Review status: criteria provided, multiple submitters, no conflicts (2 of 4 stars). 2 submissions from 2 submitters: Benign (2). Last evaluated 2018-01-13.

Conditions:
Nail-patella syndrome (NPS). Also called: FONG DISEASE; ONYCHOOSTEODYSPLASIA; TURNER-KIESER SYNDROME. Identifiers: Orphanet 2614, MedGen C0027341, MONDO:0008061, OMIM 161200.

Allele frequency attached by ClinVar (database versions not stated): 1000 Genomes Project 0.54812; gnomAD 0.42749 and 0.44035; TOPMed 0.43540; gnomAD exomes 0.47170; 1000 Genomes Project 30x 0.53638.
gnomAD v4.1: 66,929 of 152,032 alleles (44%); highest among the groups gnomAD compares: East Asian, 85%; 15,508 homozygotes.

Submissions (2):

Illumina Laboratory Services, Illumina
Classification: Benign for Nail-patella syndrome. Last evaluated: 2018-01-13. Review status: criteria provided, single submitter. Criteria: ICSL Variant Classification Criteria 13 December 2019. Collection method: clinical testing. Allele origin: germline.
Comment: This variant was observed in the ICSL laboratory as part of a predisposition screen in an ostensibly healthy population. It had not been previously curated by ICSL or reported in the Human Gene Mutation Database (HGMD: prior to June 1st, 2018), and was therefore a candidate for classification through an automated scoring system. Utilizing variant allele frequency, disease prevalence and penetrance estimates, and inheritance mode, an automated score was calculated to assess if this variant is too frequent to cause the disease. Based on the score and internal cut-off values, a variant classified as benign is not then subjected to further curation. The score for this variant resulted in a classification of benign for this disease.

Breakthrough Genomics
Classification: Benign. Review status: criteria provided, single submitter. Criteria: ACMG Guidelines, 2015. Collection method: not provided. Allele origin: germline. Inheritance: Autosomal dominant inheritance. Affected: yes.